The following is an entry in ClinVar:

NM_000051.4(ATM):c.1882C>A (p.Gln628Lys)

Gene: ATM (ATM serine/threonine kinase; plus strand). Cytogenetic location: 11q22.3.
Variant type: single nucleotide variant.
Coding change: c.1882C>A on transcript NM_000051.4 (MANE Select); coding-DNA position 1882, C replaced by A.
Protein change: p.Gln628Lys; replaces glutamine 628 with lysine.
Molecular consequence: missense variant.
Genome position (GRCh38, 1-based): chr11:108,252,896, C>A. VCF-style: chr11-108252896-C-A. GRCh37 (hg19) VCF-style: chr11-108123623-C-A.
Other names: c.1882C>A, p.Gln628Lys (NM_001351834.2); short protein forms Q628K.
Identifiers: ClinVar variation 3967328 (VCV003967328.1).

ClinVar aggregate classification (germline): Uncertain significance (1 of 4 stars; one submission).

Conditions:
Hereditary cancer-predisposing syndrome. Also called: Tumor predisposition; Hereditary neoplastic syndrome; Hereditary Cancer Syndrome; Neoplastic Syndromes, Hereditary. Identifiers: Orphanet 140162, MedGen C0027672, MeSH D009386, MONDO:0015356.

Submission:

Ambry Genetics
Classification: Uncertain significance for Hereditary cancer-predisposing syndrome. Last evaluated: 2025-05-24. Review status: criteria provided, single submitter. Criteria: Ambry Variant Classification Scheme 2023. Collection method: clinical testing. Allele origin: germline.
Comment: The p.Q628K variant (also known as c.1882C>A), located in coding exon 11 of the ATM gene, results from a C to A substitution at nucleotide position 1882. The glutamine at codon 628 is replaced by lysine, an amino acid with similar properties. This amino acid position is conserved. In addition, this alteration is predicted to be tolerated by in silico analysis. Based on the available evidence, the clinical significance of this variant remains unclear.